The following is an entry in ClinVar:

ClinVar aggregate classification (germline): Uncertain significance (1 of 4 stars; one submission).

Conditions:
Mitochondrial complex II deficiency, nuclear type 1. Also called: SUCCINATE CoQ REDUCTASE DEFICIENCY. Identifiers: Orphanet 3208, MedGen C5700310, MONDO:0100294, OMIM 252011.
Pheochromocytoma/paraganglioma syndrome 5. Also called: Paragangliomas 5; SDHA-Related Hereditary Paraganglioma-Pheochromocytoma Syndrome. Identifiers: Orphanet 29072, MedGen C3279992, MONDO:0013602, OMIM 614165.

Allele frequency attached by ClinVar (database versions not stated): gnomAD exomes below 0.00001.
gnomAD v4.1: 1 of 1,614,042 alleles (0.000062%); highest among the groups gnomAD compares: Non-Finnish European, 0.000085%; no homozygotes.

Submission:

Labcorp Genetics (formerly Invitae), Labcorp
Classification: Uncertain significance for Pheochromocytoma/paraganglioma syndrome 5; Mitochondrial complex II deficiency, nuclear type 1. Last evaluated: 2023-02-10. Review status: criteria provided, single submitter. Criteria: Invitae Variant Classification Sherloc (09022015). Collection method: clinical testing. Allele origin: germline.
Comment: In summary, the available evidence is currently insufficient to determine the role of this variant in disease. Therefore, it has been classified as a Variant of Uncertain Significance. Advanced modeling of protein sequence and biophysical properties (such as structural, functional, and spatial information, amino acid conservation, physicochemical variation, residue mobility, and thermodynamic stability) performed at Invitae indicates that this missense variant is not expected to disrupt SDHA protein function. This variant has not been reported in the literature in individuals affected with SDHA-related conditions. This variant is not present in population databases (gnomAD no frequency). This sequence change replaces phenylalanine, which is neutral and non-polar, with tyrosine, which is neutral and polar, at codon 264 of the SDHA protein (p.Phe264Tyr).

NM_004168.4(SDHA):c.791T>A (p.Phe264Tyr)

Gene: SDHA (succinate dehydrogenase complex flavoprotein subunit A; plus strand). Cytogenetic location: 5p15.33.
Variant type: single nucleotide variant.
Coding change: c.791T>A on transcript NM_004168.4 (MANE Select); coding-DNA position 791, T replaced by A.
Protein change: p.Phe264Tyr; replaces phenylalanine 264 with tyrosine.
Molecular consequence: missense variant.
Genome position (GRCh38, 1-based): chr5:230,896, T>A. VCF-style: chr5-230896-T-A. GRCh37 (hg19) VCF-style: chr5-231011-T-A.
Other names: c.647T>A, p.Phe216Tyr (NM_001294332.2); c.791T>A, p.Phe264Tyr (NM_001330758.2); short protein forms F264Y, F216Y.
Identifiers: ClinVar variation 2943742 (VCV002943742.3), dbSNP rs2126567940, ClinGen allele CA359011577.
Genomic context (GRCh38, chr5:230,896, plus strand): 5'-TGGGCCGCTGTGTGCAGTCACTGCTCTCTATTGTTTCCAGAGGCTACGGGCGCACCTACT[T>A]CAGCTGCACGTCTGCCCACACCAGCACTGGCGACGGCACGGCCATGATCACCAGGGCAGG-3'
Protein context (NP_004159.2, residues 254-274): VATGGYGRTY[Phe264Tyr]SCTSAHTSTG